The following is an entry in ClinVar:

ClinVar aggregate classification (germline): Uncertain significance (0 of 4 stars; one submission).

Conditions:
SH2B1-related disorder. Also called: SH2B1-related condition.

gnomAD v4.1: 17 of 1,614,062 alleles (0.0011%); highest among the groups gnomAD compares: Middle Eastern, 0.016%; no homozygotes.

Submission:

PreventionGenetics, part of Exact Sciences
Classification: Uncertain significance for SH2B1-related condition. Last evaluated: 2024-08-26. Review status: no assertion criteria provided. Collection method: clinical testing. Allele origin: germline.
Comment: The SH2B1 c.1111A>C variant is predicted to result in the amino acid substitution p.Ile371Leu. To our knowledge, this variant has not been reported in the literature. This variant is reported in 0.0096% of alleles in individuals of Ashkenazi Jewish descent in gnomAD. At this time, the clinical significance of this variant is uncertain due to the absence of conclusive functional and genetic evidence.

NM_001387430.1(SH2B1):c.1111A>C (p.Ile371Leu)

Gene: SH2B1 (SH2B adaptor protein 1; plus strand). Cytogenetic location: 16p11.2.
Variant type: single nucleotide variant.
Coding change: c.1111A>C on transcript NM_001387430.1 (MANE Select); coding-DNA position 1111, A replaced by C.
Protein change: p.Ile371Leu; replaces isoleucine 371 with leucine.
Molecular consequence: missense variant.
Genome position (GRCh38, 1-based): chr16:28,869,075, A>C. VCF-style: chr16-28869075-A-C. GRCh37 (hg19) VCF-style: chr16-28880396-A-C.
Other names: c.1111A>C, p.Ile371Leu (NM_001145795.2, NM_001145796.2, NM_001145797.2 and 4 more transcripts); c.103A>C, p.Ile35Leu (NM_001308294.2); short protein forms I35L, I371L.
Identifiers: ClinVar variation 3354482 (VCV003354482.1).
Genomic context (GRCh38, chr16:28,869,075, plus strand): 5'-CCATCCGAGTATATCATGGAGACAGTGGATGCCCAGCATGTGAAGGCCTGGGTGTCTGAC[A>C]TCCAAGAATGCCTGAGCCCAGGGTGAGAAGCCTGACTTCTGTCGCTAAGGGACATAGAGT-3'
Protein context (NP_001374359.1, residues 361-381): AQHVKAWVSD[Ile371Leu]QECLSPGPCP